The following is an entry in ClinVar:

NM_003722.5(TP63):c.*2477T>G

Gene: TP63 (tumor protein p63; plus strand). Cytogenetic location: 3q28.
Variant type: single nucleotide variant.
Coding change: c.*2477T>G on transcript NM_003722.5 (MANE Select); 2477 bases downstream of the stop codon, T replaced by G.
Molecular consequence: 3 prime UTR variant.
Genome position (GRCh38, 1-based): chr3:189,896,979, T>G. VCF-style: chr3-189896979-T-G. GRCh37 (hg19) VCF-style: chr3-189614768-T-G.
Other names: c.*2758T>G (NM_001114978.2, NM_001114981.2); c.*2477T>G (NM_001114980.2, NM_001329146.2, NM_001329148.2 and 1 more transcripts); c.*2748T>G (NM_001329144.2, NM_001329145.2, NM_001329149.2 and 1 more transcripts).
Identifiers: ClinVar variation 344433 (VCV000344433.6), dbSNP rs186295449, ClinGen allele CA10617838.

ClinVar aggregate classification (germline): Benign/Likely benign. Review status: criteria provided, single submitter (1 of 4 stars). 3 submissions from 1 submitter: Benign (2); Likely benign (1). Last evaluated 2018-01-13.

Conditions:
Ectrodactyly, ectodermal dysplasia, and cleft lip-palate syndrome 3. Also called: Ectrodactyly, Ectodermal Dysplasia, Clefting Syndrome; EEC SYNDROME 3; Ectrodactyly, Ectodermal Dysplasia, Clefting Syndrome Type 3 (EEC3); Ectrodactyly, Ectodermal Dysplasia, Cleft Lip/Palate Syndrome 3 (EEC3). Identifiers: Orphanet 1896, MedGen C1858562, MONDO:0011428, OMIM 604292.
TP63-Related Spectrum Disorders.
Orofacial cleft 8. Also called: Cleft lip with or without cleft palate, nonsyndromic, 8. Identifiers: MedGen C1851878, MONDO:0029145, OMIM 618149.

Allele frequency attached by ClinVar (database versions not stated): gnomAD 0.00187 and 0.00267; TOPMed 0.00234; gnomAD exomes 0.00351; 1000 Genomes Project 30x 0.00890; 1000 Genomes Project 0.00978.
gnomAD v4.1: 676 of 227,336 alleles (0.3%); highest among the groups gnomAD compares: South Asian, 2.5%; 4 homozygotes.

Submissions (3):

Illumina Laboratory Services, Illumina
Classification: Benign for TP63-Related Spectrum Disorders. Last evaluated: 2018-01-13. Review status: criteria provided, single submitter. Criteria: ICSL Variant Classification Criteria 13 December 2019. Collection method: clinical testing. Allele origin: germline.
Comment: This variant was observed in the ICSL laboratory as part of a predisposition screen in an ostensibly healthy population. It had not been previously curated by ICSL or reported in the Human Gene Mutation Database (HGMD: prior to June 1st, 2018), and was therefore a candidate for classification through an automated scoring system. Utilizing variant allele frequency, disease prevalence and penetrance estimates, and inheritance mode, an automated score was calculated to assess if this variant is too frequent to cause the disease. Based on the score and internal cut-off values, a variant classified as benign is not then subjected to further curation. The score for this variant resulted in a classification of benign for this disease.

Illumina Laboratory Services, Illumina
Classification: Benign for Ectrodactyly, ectodermal dysplasia, and cleft lip-palate syndrome 3. Last evaluated: 2018-01-13. Review status: criteria provided, single submitter. Criteria: ICSL Variant Classification Criteria 13 December 2019. Collection method: clinical testing. Allele origin: germline.
Comment: the same text as in the submission from Illumina Laboratory Services, Illumina above.

Illumina Laboratory Services, Illumina
Classification: Likely benign for Orofacial cleft 8. Last evaluated: 2018-01-13. Review status: criteria provided, single submitter. Criteria: ICSL Variant Classification Criteria 13 December 2019. Collection method: clinical testing. Allele origin: germline.
Comment: This variant was observed in the ICSL laboratory as part of a predisposition screen in an ostensibly healthy population. It had not been previously curated by ICSL or reported in the Human Gene Mutation Database (HGMD: prior to June 1st, 2018), and was therefore a candidate for classification through an automated scoring system. Utilizing variant allele frequency, disease prevalence and penetrance estimates, and inheritance mode, an automated score was calculated to assess if this variant is too frequent to cause the disease. Based on the score and internal cut-off values, a variant classified as likely benign is not then subjected to further curation. The score for this variant resulted in a classification of likely benign for this disease.